The following is an entry in ClinVar:

ClinVar aggregate classification (germline): Uncertain significance (1 of 4 stars; one submission).

Conditions:
Multiple endocrine neoplasia, type 2 (MEN2). Identifiers: Orphanet 653, MedGen C4048306, MONDO:0019003. Disease mechanism: gain of function.

Allele frequency attached by ClinVar (database versions not stated): gnomAD exomes below 0.00001; TOPMed below 0.00001; gnomAD 0.00001.
gnomAD v4.1: 3 of 1,613,982 alleles (0.00019%); highest among the groups gnomAD compares: East Asian, 0.0045%; no homozygotes.

Submission:

Labcorp Genetics (formerly Invitae), Labcorp
Classification: Uncertain significance for Multiple endocrine neoplasia, type 2. Last evaluated: 2025-03-09. Review status: criteria provided, single submitter. Criteria: Invitae Variant Classification Sherloc (09022015). Collection method: clinical testing. Allele origin: germline.
Comment: This sequence change replaces asparagine, which is neutral and polar, with lysine, which is basic and polar, at codon 429 of the RET protein (p.Asn429Lys). This variant is present in population databases (no rsID available, gnomAD 0.006%). This variant has not been reported in the literature in individuals affected with RET-related conditions. ClinVar contains an entry for this variant (Variation ID: 1038338). An algorithm developed to predict the effect of missense changes on protein structure and function (PolyPhen-2) suggests that this variant is likely to be tolerated. In summary, the available evidence is currently insufficient to determine the role of this variant in disease. Therefore, it has been classified as a Variant of Uncertain Significance.

NM_020975.6(RET):c.1287C>A (p.Asn429Lys)

Gene: RET (ret proto-oncogene; plus strand). Cytogenetic location: 10q11.21.
Variant type: single nucleotide variant.
Coding change: c.1287C>A on transcript NM_020975.6 (MANE Select); coding-DNA position 1287, C replaced by A.
Protein change: p.Asn429Lys; replaces asparagine 429 with lysine.
Molecular consequence: missense variant.
Genome position (GRCh38, 1-based): chr10:43,111,230, C>A. VCF-style: chr10-43111230-C-A. GRCh37 (hg19) VCF-style: chr10-43606678-C-A.
Other names: c.1287C>A, p.Asn429Lys (NM_000323.2, NM_001406743.1, NM_001406744.1 and 6 more transcripts); c.525C>A, p.Asn175Lys (NM_001355216.2); c.1158C>A, p.Asn386Lys (NM_001406761.1, NM_001406762.1, NM_001406764.1 and 1 more transcripts); c.999C>A, p.Asn333Lys (NM_001406766.1, NM_001406767.1, NM_001406770.1); c.891C>A, p.Asn297Lys (NM_001406769.1, NM_001406772.1); c.849C>A, p.Asn283Lys (NM_001406771.1, NM_001406773.1); c.762C>A, p.Asn254Lys (NM_001406774.1); c.561C>A, p.Asn187Lys (NM_001406775.1, NM_001406776.1, NM_001406777.1 and 1 more transcripts); and 1 more; short protein forms N175K, N429K, N254K, N99K, N386K, N187K, N283K, N297K.
Identifiers: ClinVar variation 1038338 (VCV001038338.9), dbSNP rs1324777252, ClinGen allele CA376548893.
Genomic context (GRCh38, chr10:43,111,230, plus strand): 5'-AGCTGCCTGGCTAAGGTGTTCCCCTGTGCCCCCCTAGATCGGGAAAGTCTGTGTGGAAAA[C>A]TGCCAGGCATTCAGTGGCATCAACGTCCAGTACAAGCTGCATTCCTCTGGTGCCAACTGC-3'
Protein context (NP_066124.1, residues 419-439): FAQIGKVCVE[Asn429Lys]CQAFSGINVQ